The following is an entry in ClinVar:

ClinVar aggregate classification (germline): Uncertain significance (1 of 4 stars; one submission).

Submission:

GeneDx
Classification: Uncertain significance. Last evaluated: 2023-07-11. Review status: criteria provided, single submitter. Criteria: GeneDx Variant Classification Process June 2021. Collection method: clinical testing. Allele origin: germline. Affected: yes.
Comment: Not observed at significant frequency in large population cohorts (gnomAD); In silico analysis supports that this missense variant has a deleterious effect on protein structure/function; Has not been previously published as pathogenic or benign to our knowledge

NM_018941.4(CLN8):c.122T>G (p.Val41Gly)

Gene: CLN8 (CLN8 transmembrane ER and ERGIC protein; plus strand). Cytogenetic location: 8p23.3.
Variant type: single nucleotide variant.
Coding change: c.122T>G on transcript NM_018941.4 (MANE Select); coding-DNA position 122, T replaced by G.
Protein change: p.Val41Gly; replaces valine 41 with glycine.
Molecular consequence: missense variant.
Genome position (GRCh38, 1-based): chr8:1,771,176, T>G. VCF-style: chr8-1771176-T-G. GRCh37 (hg19) VCF-style: chr8-1719342-T-G.
Other names: short protein forms V41G.
Identifiers: ClinVar variation 3360852 (VCV003360852.1).